The following is an entry in ClinVar:

NM_000051.4(ATM):c.3586A>T (p.Lys1196Ter)

Gene: ATM (ATM serine/threonine kinase; plus strand). Cytogenetic location: 11q22.3.
Variant type: single nucleotide variant.
Coding change: c.3586A>T on transcript NM_000051.4 (MANE Select); coding-DNA position 3586, A replaced by T.
Protein change: p.Lys1196Ter; replaces lysine 1196 with a stop codon.
Molecular consequence: nonsense.
Genome position (GRCh38, 1-based): chr11:108,282,719, A>T. VCF-style: chr11-108282719-A-T. GRCh37 (hg19) VCF-style: chr11-108153446-A-T.
Other names: c.3586A>T, p.Lys1196Ter (NM_001351834.2); short protein forms K1196*.
Identifiers: ClinVar variation 3233089 (VCV003233089.1), dbSNP rs2135686751, ClinGen allele CA382522524.

ClinVar aggregate classification (germline): Pathogenic (1 of 4 stars; one submission).

Conditions:
Hereditary cancer-predisposing syndrome. Also called: Neoplastic Syndromes, Hereditary; Tumor predisposition; Hereditary neoplastic syndrome; Hereditary Cancer Syndrome. Identifiers: Orphanet 140162, MedGen C0027672, MeSH D009386, MONDO:0015356.

Submission:

Ambry Genetics
Classification: Pathogenic for Hereditary cancer-predisposing syndrome. Last evaluated: 2023-11-10. Review status: criteria provided, single submitter. Criteria: Ambry Variant Classification Scheme 2023. Collection method: clinical testing. Allele origin: germline.
Comment: The p.K1196* pathogenic mutation (also known as c.3586A>T), located in coding exon 24 of the ATM gene, results from an A to T substitution at nucleotide position 3586. This changes the amino acid from a lysine to a stop codon within coding exon 24. This variant is considered to be rare based on population cohorts in the Genome Aggregation Database (gnomAD). This alteration is expected to result in loss of function by premature protein truncation or nonsense-mediated mRNA decay. As such, this alteration is interpreted as a disease-causing mutation.